The following is an entry in ClinVar:

ClinVar aggregate classification (germline): Uncertain significance. Review status: criteria provided, multiple submitters, no conflicts (2 of 4 stars). 2 submissions from 2 submitters: Uncertain significance (2). Last evaluated 2023-04-19.

Conditions:
Inborn genetic diseases. Identifiers: MedGen C0950123, MeSH D030342.

Allele frequency attached by ClinVar (database versions not stated): ExAC 0.00001; gnomAD 0.00001; TOPMed 0.00001; gnomAD exomes 0.00002.
gnomAD v4.1: 37 of 1,613,492 alleles (0.0023%); highest among the groups gnomAD compares: East Asian, 0.0089%; no homozygotes.

Submissions (2):

Ambry Genetics
Classification: Uncertain significance for Inborn genetic diseases. Last evaluated: 2023-04-19. Review status: criteria provided, single submitter. Criteria: Ambry Variant Classification Scheme 2023. Collection method: clinical testing. Allele origin: germline.

Labcorp Genetics (formerly Invitae), Labcorp
Classification: Uncertain significance. Last evaluated: 2022-10-01. Review status: criteria provided, single submitter. Criteria: Invitae Variant Classification Sherloc (09022015). Collection method: clinical testing. Allele origin: germline.
Comment: This sequence change replaces alanine, which is neutral and non-polar, with threonine, which is neutral and polar, at codon 246 of the WDR4 protein (p.Ala246Thr). This variant is present in population databases (rs770871520, gnomAD 0.006%). This variant has not been reported in the literature in individuals affected with WDR4-related conditions. Advanced modeling of protein sequence and biophysical properties (such as structural, functional, and spatial information, amino acid conservation, physicochemical variation, residue mobility, and thermodynamic stability) performed at Invitae indicates that this missense variant is not expected to disrupt WDR4 protein function. In summary, the available evidence is currently insufficient to determine the role of this variant in disease. Therefore, it has been classified as a Variant of Uncertain Significance.

NM_018669.6(WDR4):c.736G>A (p.Ala246Thr)

Gene: WDR4 (WDR4 tRNA N7-guanosine methyltransferase non-catalytic subunit; minus strand). Cytogenetic location: 21q22.3.
Variant type: single nucleotide variant.
Coding change: c.736G>A on transcript NM_018669.6 (MANE Select); coding-DNA position 736, G replaced by A.
Protein change: p.Ala246Thr; replaces alanine 246 with threonine.
Molecular consequence: missense variant. On other transcripts: non-coding transcript variant (1).
Genome position (GRCh38, 1-based): chr21:42,854,617, C>T on the plus strand (G>A on the coding strand, the complement: WDR4 is on the minus strand). VCF-style: chr21-42854617-C-T. GRCh37 (hg19) VCF-style: chr21-44274727-C-T.
Other names: c.733G>A, p.Ala245Thr (NM_001260474.2); c.298G>A, p.Ala100Thr (NM_001260475.2, NM_001260476.2, NM_001260477.2 and 1 more transcripts); c.736G>A, p.Ala246Thr (NM_033661.5); c.736G>A (NM_018669.4); short protein forms A100T, A246T, A245T.
Identifiers: ClinVar variation 1971508 (VCV001971508.6), dbSNP rs770871520, ClinGen allele CA10045958.